The following is an entry in ClinVar:

NM_021930.6(RINT1):c.1157C>T (p.Thr386Ile)

Gene: RINT1 (RAD50 interactor 1; plus strand). Cytogenetic location: 7q22.3.
Variant type: single nucleotide variant.
Coding change: c.1157C>T on transcript NM_021930.6 (MANE Select); coding-DNA position 1157, C replaced by T.
Protein change: p.Thr386Ile; replaces threonine 386 with isoleucine.
Molecular consequence: missense variant. On other transcripts: non-coding transcript variant (1).
Genome position (GRCh38, 1-based): chr7:105,550,310, C>T. VCF-style: chr7-105550310-C-T. GRCh37 (hg19) VCF-style: chr7-105190757-C-T.
Other names: c.923C>T, p.Thr308Ile (NM_001346599.2); c.134C>T, p.Thr45Ile (NM_001346600.2, NM_001346603.2); c.233C>T, p.Thr78Ile (NM_001346601.2); short protein forms T308I, T386I, T45I, T78I.
Identifiers: ClinVar variation 1020764 (VCV001020764.11), dbSNP rs1790870671, ClinGen allele CA368808962.

ClinVar aggregate classification (germline): Uncertain significance. Review status: criteria provided, multiple submitters, no conflicts (2 of 4 stars). 2 submissions from 2 submitters: Uncertain significance (2). Last evaluated 2022-10-22.

Submissions (2):

Ambry Genetics
Classification: Uncertain significance. Last evaluated: 2022-10-22. Review status: criteria provided, single submitter. Criteria: Ambry Variant Classification Scheme 2023. Collection method: clinical testing. Allele origin: germline.
Comment: The p.T386I variant (also known as c.1157C>T), located in coding exon 9 of the RINT1 gene, results from a C to T substitution at nucleotide position 1157. The threonine at codon 386 is replaced by isoleucine, an amino acid with similar properties. This amino acid position is conserved. In addition, this alteration is predicted to be tolerated by in silico analysis. Since supporting evidence is limited at this time, the clinical significance of this alteration remains unclear.

Labcorp Genetics (formerly Invitae), Labcorp
Classification: Uncertain significance. Last evaluated: 2020-03-01. Review status: criteria provided, single submitter. Criteria: Invitae Variant Classification Sherloc (09022015). Collection method: clinical testing. Allele origin: germline.
Comment: In summary, the available evidence is currently insufficient to determine the role of this variant in disease. Therefore, it has been classified as a Variant of Uncertain Significance. This variant has not been reported in the literature in individuals with RINT1-related conditions. This variant is not present in population databases (ExAC no frequency). This sequence change replaces threonine with isoleucine at codon 386 of the RINT1 protein (p.Thr386Ile). The threonine residue is weakly conserved and there is a moderate physicochemical difference between threonine and isoleucine. Algorithms developed to predict the effect of missense changes on protein structure and function (SIFT, PolyPhen-2, Align-GVGD) all suggest that this variant is likely to be tolerated, but these predictions have not been confirmed by published functional studies and their clinical significance is uncertain.